The following is an entry in ClinVar:

ClinVar aggregate classification (germline): Uncertain significance. Review status: criteria provided, multiple submitters, no conflicts (2 of 4 stars). 3 submissions from 3 submitters: Uncertain significance (3). Last evaluated 2026-03-01.

Allele frequency attached by ClinVar (database versions not stated): TOPMed below 0.00001; gnomAD exomes 0.00002; ExAC 0.00006.
gnomAD v4.1: 11 of 1,613,918 alleles (0.00068%); highest among the groups gnomAD compares: Admixed American, 0.018%; no homozygotes.

Submissions (3):

CeGaT Center for Human Genetics Tuebingen
Classification: Uncertain significance. Last evaluated: 2026-03-01. Review status: criteria provided, single submitter. Criteria: CeGaT Center For Human Genetics Tuebingen Variant Classification Criteria Version 2. Collection method: clinical testing. Allele origin: germline. Affected: yes. Observed: 1 variant allele.
Comment: SPTA1: PM2, BP4

Ambry Genetics
Classification: Uncertain significance. Last evaluated: 2025-03-26. Review status: criteria provided, single submitter. Criteria: Ambry Variant Classification Scheme 2023. Collection method: clinical testing. Allele origin: germline.

Revvity Omics, Revvity
Classification: Uncertain significance. Last evaluated: 2023-06-20. Review status: criteria provided, single submitter. Criteria: ACMG Guidelines, 2015. Collection method: clinical testing. Allele origin: germline.

NM_003126.4(SPTA1):c.3751G>A (p.Glu1251Lys)

Gene: SPTA1 (spectrin alpha, erythrocytic 1; minus strand). Cytogenetic location: 1q23.1.
Variant type: single nucleotide variant.
Coding change: c.3751G>A on transcript NM_003126.4 (MANE Select); coding-DNA position 3751, G replaced by A.
Protein change: p.Glu1251Lys; replaces glutamic acid 1251 with lysine.
Molecular consequence: missense variant.
Genome position (GRCh38, 1-based): chr1:158,647,684, C>T on the plus strand (G>A on the coding strand, the complement: SPTA1 is on the minus strand). VCF-style: chr1-158647684-C-T. GRCh37 (hg19) VCF-style: chr1-158617474-C-T.
Other names: c.3751G>A (NM_003126.2); short protein forms E1251K.
Identifiers: ClinVar variation 2690100 (VCV002690100.7), dbSNP rs771093658, ClinGen allele CA1182934.
Genomic context (GRCh38, chr1:158,647,684, plus strand): 5'-AGGCCTCATTCAGCTCCATTTTCTGTCTCTGCAGGTCCTCAGTGGCATCTGGATGGGACT[C>T]ACTGAGCCGCTCTGCTGTCTCCCCCAGTATGGTCACCTGGGGAGGTACAATAGCTCTGAT-3'
Protein context (NP_003117.2, residues 1241-1261): ILGETAERLS[Glu1251Lys]SHPDATEDLQ